The following is an entry in ClinVar:

ClinVar aggregate classification (germline): Conflicting classifications of pathogenicity. Review status: criteria provided, conflicting classifications (1 of 4 stars). 4 submissions from 4 submitters: Uncertain significance (2); Likely benign (2). Last evaluated 2025-12-30.

Conditions:
KIF1B-related disorder. Also called: KIF1B-related condition.
Charcot-Marie-Tooth disease type 2. Also called: Charcot-Marie-Tooth type 2. Identifiers: Orphanet 64746, MedGen C0270914, MONDO:0018993.

Allele frequency attached by ClinVar (database versions not stated): TOPMed 0.00005; gnomAD 0.00006; gnomAD exomes 0.00012 and 0.00015; ExAC 0.00014.
gnomAD v4.1: 224 of 1,611,966 alleles (0.014%); highest among the groups gnomAD compares: Non-Finnish European, 0.014%; no homozygotes.

Submissions (4):

Labcorp Genetics (formerly Invitae), Labcorp
Classification: Uncertain significance for Charcot-Marie-Tooth disease type 2. Last evaluated: 2025-12-30. Review status: criteria provided, single submitter. Criteria: Invitae Variant Classification Sherloc (09022015). Collection method: clinical testing. Allele origin: germline.
Comment: This sequence change replaces glutamine, which is neutral and polar, with glutamic acid, which is acidic and polar, at codon 29 of the KIF1B protein (p.Gln29Glu). This variant is present in population databases (rs760368705, gnomAD 0.04%), and has an allele count higher than expected for a pathogenic variant. This variant has not been reported in the literature in individuals affected with KIF1B-related conditions. ClinVar contains an entry for this variant (Variation ID: 216686). Invitae Evidence Modeling of protein sequence and biophysical properties (such as structural, functional, and spatial information, amino acid conservation, physicochemical variation, residue mobility, and thermodynamic stability) indicates that this missense variant is not expected to disrupt KIF1B protein function with a negative predictive value of 80%. In summary, the available evidence is currently insufficient to determine the role of this variant in disease. Therefore, it has been classified as a Variant of Uncertain Significance.

PreventionGenetics, part of Exact Sciences
Classification: Uncertain significance for KIF1B-related condition. Last evaluated: 2022-12-19. Review status: criteria provided, single submitter. Criteria: ACMG Guidelines, 2015. Collection method: clinical testing. Allele origin: germline.
Comment: The KIF1B c.85C>G variant is predicted to result in the amino acid substitution p.Gln29Glu. To our knowledge, this variant has not been reported in the literature. This variant is reported in 0.036% of alleles in individuals of European (Finnish) descent in gnomAD, and it is classified as uncertain significance and likely benign in ClinVar. Although we suspect that this variant may be benign, at this time, the clinical significance of this variant is uncertain due to the absence of conclusive functional and genetic evidence.

CeGaT Center for Human Genetics Tuebingen
Classification: Likely benign. Last evaluated: 2020-12-01. Review status: criteria provided, single submitter. Criteria: CeGaT Center For Human Genetics Tuebingen Variant Classification Criteria Version 2. Collection method: clinical testing. Allele origin: germline. Affected: yes. Observed: 1 variant allele.

Ambry Genetics
Classification: Likely benign. Last evaluated: 2020-09-22. Review status: criteria provided, single submitter. Criteria: Ambry Variant Classification Scheme 2023. Collection method: clinical testing. Allele origin: germline.

NM_001365951.3(KIF1B):c.85C>G (p.Gln29Glu)

Genes: KIF1B (kinesin family member 1B; plus strand), LOC129388446 (MPRA-validated peak64 silencer; plus strand). Cytogenetic location: 1p36.22.
Variant type: single nucleotide variant.
Coding change: c.85C>G on transcript NM_001365951.3 (MANE Select); coding-DNA position 85, C replaced by G.
Protein change: p.Gln29Glu; replaces glutamine 29 with glutamic acid.
Molecular consequence: missense variant.
Genome position (GRCh38, 1-based): chr1:10,232,413, C>G. VCF-style: chr1-10232413-C-G. GRCh37 (hg19) VCF-style: chr1-10292471-C-G.
Other names: c.85C>G, p.Gln29Glu (NM_001365952.1, NM_001365953.1, NM_015074.3 and 1 more transcripts); short protein forms Q29E.
Identifiers: ClinVar variation 216686 (VCV000216686.49), dbSNP rs760368705, ClinGen allele CA339473.